The following is an entry in ClinVar:

ClinVar aggregate classification (germline): Uncertain significance (1 of 4 stars; one submission).

Submission:

CeGaT Center for Human Genetics Tuebingen
Classification: Uncertain significance. Last evaluated: 2023-06-01. Review status: criteria provided, single submitter. Criteria: CeGaT Center For Human Genetics Tuebingen Variant Classification Criteria Version 2. Collection method: clinical testing. Allele origin: germline. Affected: yes. Observed: 1 variant allele.
Comment: HEPH: PM2

NM_001367233.3(HEPH):c.2938A>G (p.Met980Val)

Gene: HEPH (hephaestin; plus strand). Cytogenetic location: Xq12.
Variant type: single nucleotide variant.
Coding change: c.2938A>G on transcript NM_001367233.3 (MANE Select); coding-DNA position 2938, A replaced by G.
Protein change: p.Met980Val; replaces methionine 980 with valine.
Molecular consequence: missense variant. On other transcripts: non-coding transcript variant (3).
Genome position (GRCh38, 1-based): chrX:66,258,881, A>G. VCF-style: chrX-66258881-A-G. GRCh37 (hg19) VCF-style: chrX-65478723-A-G.
Other names: c.2137A>G, p.Met713Val (NM_001367242.2, NM_014799.4); c.2029A>G, p.Met677Val (NM_001367243.3); c.2938A>G, p.Met980Val (NM_138737.6, NM_001130860.6, NM_001367232.3 and 1 more transcripts); c.2362A>G, p.Met788Val (NM_001282141.3); c.2932A>G, p.Met978Val (NM_001367236.3); c.2725A>G, p.Met909Val (NM_001367238.3, NM_001367239.3); c.2605A>G, p.Met869Val (NM_001367240.3, NM_001367241.3); short protein forms M677V, M713V, M788V, M869V, M909V, M978V, M980V.
Identifiers: ClinVar variation 2660765 (VCV002660765.24), dbSNP rs2520723916, ClinGen allele CA413329255.